The following is an entry in ClinVar:

ClinVar aggregate classification (germline): Benign. Review status: reviewed by expert panel (3 of 4 stars). 6 submissions from 6 submitters: Benign (1). 5 of the submissions do not count toward it. Last evaluated 2022-04-13.

Conditions:
ITGB3-related disorder. Also called: ITGB3-related condition.
Glanzmann thrombasthenia. Also called: THROMBASTHENIA OF GLANZMANN AND NAEGELI; Thrombasthenia; PLATELET GLYCOPROTEIN IIb-IIIa DEFICIENCY; Glanzmann's thrombasthenia. Identifiers: Orphanet 849, MedGen C0040015, MONDO:0100326.

Allele frequency attached by ClinVar (database versions not stated): gnomAD 0.00011 and 0.00014; ExAC 0.00023; gnomAD exomes 0.00025 and 0.00004; TOPMed 0.00026; 1000 Genomes Project 0.00060; 1000 Genomes Project 30x 0.00078.
gnomAD v4.1: 130 of 1,604,886 alleles (0.0081%); highest among the groups gnomAD compares: East Asian, 0.15%; 3 homozygotes.

Submissions (6):

ClinGen Platelet Disorders Variant Curation Expert Panel, ClinGen
Classification: Benign for Glanzmann thrombasthenia. Last evaluated: 2022-04-13. Review status: reviewed by expert panel. Criteria: ClinGen Platelet ACMG Specifications v2-1. Collection method: curation. Allele origin: germline. Inheritance: Autosomal recessive inheritance.
Comment: The ITGB3 synonymous variant NM_000212.3:c.1641C>T is common in control population databases, occurring at a frequency of 0.3015% in the East Asian population of gnomAD v2.1.1. The c.1641C>T (p.Cys547=) variant is a synonymous variant that is not predicted by SpliceAI to impact splicing (BP4). In summary, this variant meets the criteria to be classified as benign for autosomal recessive Glanzmann Thrombasthenia based on the ACMG/AMP criteria applied, as specified by the ClinGen PD VCEP: BA1, BP4. (VCEP specifications version 2; date of approval 04/07/2022)

Labcorp Genetics (formerly Invitae), Labcorp
Classification: Benign. Last evaluated: 2025-11-02. Review status: criteria provided, single submitter. Criteria: Invitae Variant Classification Sherloc (09022015). Collection method: clinical testing. Allele origin: germline. Not counted in ClinVar's aggregate classification.

CeGaT Center for Human Genetics Tuebingen
Classification: Likely benign. Last evaluated: 2025-10-01. Review status: criteria provided, single submitter. Criteria: CeGaT Center For Human Genetics Tuebingen Variant Classification Criteria Version 2. Collection method: clinical testing. Allele origin: germline. Affected: yes. Observed: 1 variant allele. Not counted in ClinVar's aggregate classification.
Comment: ITGB3: BP4, BP7

PreventionGenetics, part of Exact Sciences
Classification: Likely benign for ITGB3-related condition. Last evaluated: 2025-06-18. Review status: criteria provided, single submitter. Criteria: ACMG Guidelines, 2015. Collection method: clinical testing. Allele origin: germline. Not counted in ClinVar's aggregate classification.
Comment: This variant is classified as likely benign based on ACMG/AMP sequence variant interpretation guidelines (Richards et al. 2015 PMID: 25741868, with internal and published modifications).

Blueprint Genetics
Classification: Likely benign. Last evaluated: 2024-09-20. Review status: criteria provided, single submitter. Criteria: ACMG Guidelines, 2015. Collection method: clinical testing. Allele origin: germline. Not counted in ClinVar's aggregate classification.

Mayo Clinic Laboratories, Mayo Clinic
Classification: Benign. Last evaluated: 2024-07-02. Review status: criteria provided, single submitter. Criteria: ACMG Guidelines, 2015. Collection method: clinical testing. Allele origin: germline. Observed: 3 variant alleles. Not counted in ClinVar's aggregate classification.
Comment: BA1, BP4, BP7

NM_000212.3(ITGB3):c.1641C>T (p.Cys547=)

Gene: ITGB3 (integrin subunit beta 3; plus strand). Cytogenetic location: 17q21.32.
Variant type: single nucleotide variant.
Coding change: c.1641C>T on transcript NM_000212.3 (MANE Select); coding-DNA position 1641, C replaced by T.
Protein change: p.Cys547=; no amino-acid change (cysteine 547 retained).
Molecular consequence: synonymous variant.
Genome position (GRCh38, 1-based): chr17:47,292,519, C>T. VCF-style: chr17-47292519-C-T. GRCh37 (hg19) VCF-style: chr17-45369885-C-T.
Other names: NM_000212.3(ITGB3):c.1641C>T; p.Cys547=.
Identifiers: ClinVar variation 696833 (VCV000696833.20), dbSNP rs185135224, ClinGen allele CA8623301.
Genomic context (GRCh38, chr17:47,292,519, plus strand): 5'-CCTCTGTGGTCAATGTGTCTGCCACAGCAGTGACTTTGGCAAGATCACGGGCAAGTACTG[C>T]GAGTGTGACGACTTCTCCTGTGTCCGCTACAAGGGGGAGATGTGCTCAGGTGAGGAGAAC-3'
Protein context (NP_000203.2, residues 537-557): SDFGKITGKY[Cys547=]ECDDFSCVRY